The following is an entry in ClinVar:

NM_025103.4(IFT74):c.1457A>C (p.Asp486Ala)

Gene: IFT74 (intraflagellar transport 74; plus strand). Cytogenetic location: 9p21.2.
Variant type: single nucleotide variant.
Coding change: c.1457A>C on transcript NM_025103.4 (MANE Select); coding-DNA position 1457, A replaced by C.
Protein change: p.Asp486Ala; replaces aspartic acid 486 with alanine.
Molecular consequence: missense variant.
Genome position (GRCh38, 1-based): chr9:27,055,732, A>C. VCF-style: chr9-27055732-A-C. GRCh37 (hg19) VCF-style: chr9-27055730-A-C.
Other names: c.1457A>C, p.Asp486Ala (NM_001099222.3, NM_001099223.3, NM_001349928.2); short protein forms D486A.
Identifiers: ClinVar variation 4999495 (VCV004999495.1).

ClinVar aggregate classification (germline): Uncertain significance (1 of 4 stars; one submission).

Conditions:
IFT74-related disorder. Also called: IFT74-related condition; IFT74-Related Disorders.

gnomAD v4.1: 2 of 1,566,910 alleles (0.00013%); highest among the groups gnomAD compares: Non-Finnish European, 0.00017%; no homozygotes.

Submission:

PreventionGenetics, part of Exact Sciences
Classification: Uncertain significance for IFT74-related condition. Last evaluated: 2025-07-31. Review status: criteria provided, single submitter. Criteria: ACMG Guidelines, 2015. Collection method: clinical testing. Allele origin: germline.
Comment: The IFT74 c.1457A>C variant is predicted to result in the amino acid substitution p.Asp486Ala. To our knowledge, this variant has not been reported in the literature or in a large population database (gnomAD), indicating this variant is rare. At this time, the clinical significance of this variant is uncertain due to the absence of conclusive functional and genetic evidence.